The following is an entry in ClinVar:

ClinVar aggregate classification (germline): Pathogenic (1 of 4 stars; one submission).

Conditions:
Neurofibromatosis, type 1 (NF1). Also called: VON RECKLINGHAUSEN DISEASE; Peripheral type neurofibromatosis; Neurofibromatosis, type I; NEUROFIBROMATOSIS, TYPE I, SOMATIC. Identifiers: Orphanet 636, MedGen C0027831, MONDO:0018975, OMIM 162200. Disease mechanism: loss of function.

Submission:

Labcorp Genetics (formerly Invitae), Labcorp
Classification: Pathogenic for Neurofibromatosis, type 1. Last evaluated: 2022-12-29. Review status: criteria provided, single submitter. Criteria: Invitae Variant Classification Sherloc (09022015). Collection method: clinical testing. Allele origin: germline.
Comment: For these reasons, this variant has been classified as Pathogenic. This variant has not been reported in the literature in individuals affected with NF1-related conditions. This variant is not present in population databases (gnomAD no frequency). This sequence change creates a premature translational stop signal (p.Gly140Trpfs*16) in the NF1 gene. It is expected to result in an absent or disrupted protein product. Loss-of-function variants in NF1 are known to be pathogenic (PMID: 10712197, 23913538).

Literature cited by the submitters: PubMed 10712197; PubMed 23913538.

NM_001042492.3(NF1):c.417dup (p.Gly140fs)

Gene: NF1 (neurofibromin 1; plus strand). Cytogenetic location: 17q11.2.
Variant type: Duplication.
Coding change: c.417dup on transcript NM_001042492.3 (MANE Select); coding-DNA position 417, one base duplicated (T; older notation c.417dupT).
Protein change: p.Gly140fs; shifts the reading frame from glycine 140.
Molecular consequence: frameshift variant.
Genome position (GRCh38, 1-based): chr17:31,163,314, T duplicated. VCF-style (leftmost placement, unchanged base first): chr17-31163313-C-CT. GRCh37 (hg19) VCF-style: chr17-29490331-C-CT.
Other names: c.417dup, p.Gly140Trpfs (NM_000267.4); c.417dup, p.Gly140fs (NM_001128147.3); short protein forms G140fs.
Identifiers: ClinVar variation 2824845 (VCV002824845.3), dbSNP rs2544701268, ClinGen allele CA2739267316.
Genomic context (GRCh38, chr17:31,163,313, plus strand): 5'-ATTTTCTTCACACCTGTCGTGAAGGAAACCAGCATGCAGCTGAACTTCGGAATTCTGCCT[C>CT]TGGGGTTTTATTTTCTCTCAGCTGCAACAACTTCAATGCAGTCTTTAGTCGCATTTCTAC-3'